The following is an entry in ClinVar:

NM_004370.6(COL12A1):c.4613A>G (p.Asn1538Ser)

Gene: COL12A1 (collagen type XII alpha 1 chain; minus strand). Cytogenetic location: 6q13.
Variant type: single nucleotide variant.
Coding change: c.4613A>G on transcript NM_004370.6 (MANE Select); coding-DNA position 4613, A replaced by G.
Protein change: p.Asn1538Ser; replaces asparagine 1538 with serine.
Molecular consequence: missense variant.
Genome position (GRCh38, 1-based): chr6:75,145,403, T>C on the plus strand (A>G on the coding strand, the complement: COL12A1 is on the minus strand). VCF-style: chr6-75145403-T-C. GRCh37 (hg19) VCF-style: chr6-75855119-T-C.
Other names: c.1121A>G, p.Asn374Ser (NM_080645.3); short protein forms N1538S, N374S.
Identifiers: ClinVar variation 475869 (VCV000475869.20), dbSNP rs115246424, ClinGen allele CA3893401.

ClinVar aggregate classification (germline): Conflicting classifications of pathogenicity. Review status: criteria provided, conflicting classifications (1 of 4 stars). 5 submissions from 5 submitters: Uncertain significance (3); Benign (1); Likely benign (1). Last evaluated 2025-11-24.

Conditions:
Ullrich congenital muscular dystrophy 2 (UCMD2). Identifiers: Orphanet 75840, MedGen C4225314, MONDO:0014654, OMIM 616470.
Bethlem myopathy 2 (BTHLM2). Identifiers: Orphanet 536516, Orphanet 610, MedGen C4225313, MONDO:0034022, OMIM 616471.
Inborn genetic diseases. Identifiers: MedGen C0950123, MeSH D030342.

Allele frequency attached by ClinVar (database versions not stated): gnomAD exomes 0.00014 and 0.00005; 1000 Genomes Project 30x 0.00031; TOPMed 0.00032; ExAC 0.00010; ESP Exome Variant Server 0.00024; gnomAD 0.00024 and 0.00026; 1000 Genomes Project 0.00040.
gnomAD v4.1: 114 of 1,614,022 alleles (0.0071%); highest among the groups gnomAD compares: African/African-American, 0.091%; no homozygotes.

Submissions (5):

Labcorp Genetics (formerly Invitae), Labcorp
Classification: Benign for Bethlem myopathy 2; Ullrich congenital muscular dystrophy 2. Last evaluated: 2025-11-24. Review status: criteria provided, single submitter. Criteria: Invitae Variant Classification Sherloc (09022015). Collection method: clinical testing. Allele origin: germline.

GeneDx
Classification: Uncertain significance. Last evaluated: 2025-11-05. Review status: criteria provided, single submitter. Criteria: GeneDx Variant Classification Process June 2021. Collection method: clinical testing. Allele origin: germline.
Comment: In silico analysis suggests that this missense variant does not alter protein structure/function; Has not been previously published as pathogenic or benign to our knowledge

Women's Health and Genetics/Laboratory Corporation of America, LabCorp
Classification: Uncertain significance. Last evaluated: 2025-06-13. Review status: criteria provided, single submitter. Criteria: LabCorp Variant Classification Summary - May 2015. Collection method: clinical testing. Allele origin: germline.
Comment: Variant summary: COL12A1 c.4613A>G (p.Asn1538Ser) results in a conservative amino acid change located in the Fibronectin type III domain (IPR003961) of the encoded protein sequence. Algorithms developed to predict the effect of missense changes on protein structure and function are either unavailable or do not agree on the potential impact of this missense change. The variant allele was found at a frequency of 0.00014 in 249232 control chromosomes. This frequency is not significantly higher than estimated for a pathogenic variant in COL12A1 causing Ullrich congenital muscular dystrophy 2 (0.00014 vs 0.0035), allowing no conclusion about variant significance. To our knowledge, no occurrence of c.4613A>G in individuals affected with Ullrich congenital muscular dystrophy 2 and no experimental evidence demonstrating its impact on protein function have been reported. ClinVar contains an entry for this variant (Variation ID: 475869). Based on the evidence outlined above, the variant was classified as uncertain significance.

Revvity Omics, Revvity
Classification: Likely benign. Last evaluated: 2025-01-08. Review status: criteria provided, single submitter. Criteria: ACMG Guidelines, 2015. Collection method: clinical testing. Allele origin: germline.

Ambry Genetics
Classification: Uncertain significance for Inborn genetic diseases. Last evaluated: 2023-11-17. Review status: criteria provided, single submitter. Criteria: Ambry Variant Classification Scheme 2023. Collection method: clinical testing. Allele origin: germline.